The following is an entry in ClinVar:

ClinVar aggregate classification (germline): Uncertain significance. Review status: criteria provided, multiple submitters, no conflicts (2 of 4 stars). 2 submissions from 2 submitters: Uncertain significance (2). Last evaluated 2026-08-05.

Conditions:
Gastrointestinal stromal tumor. Also called: Gastrointestinal stromal tumor, somatic; Gastrointestinal stroma tumor. Identifiers: Orphanet 44890, MedGen C0238198, MeSH D046152, MONDO:0011719, OMIM 606764, HP:0100723.
Mastocytosis. Also called: Mast Cell Disease. Identifiers: Orphanet 98292, MedGen C0024899, MONDO:0007950, HP:0100495.
Piebaldism. Also called: Piebald skin depigmentation. Identifiers: Orphanet 2884, MedGen C0080024, MONDO:0008244, OMIM 172800, HP:0007544.
Hereditary cancer-predisposing syndrome. Also called: Neoplastic Syndromes, Hereditary; Hereditary Cancer Syndrome; Tumor predisposition; Hereditary neoplastic syndrome. Identifiers: Orphanet 140162, MedGen C0027672, MeSH D009386, MONDO:0015356.

Allele frequency attached by ClinVar (database versions not stated): gnomAD exomes below 0.00001.
gnomAD v4.1: 1 of 1,614,102 alleles (0.000062%); highest among the groups gnomAD compares: Admixed American, 0.0017%; no homozygotes.

Submissions (2):

Ambry Genetics
Classification: Uncertain significance for Hereditary cancer-predisposing syndrome. Last evaluated: 2026-08-05. Review status: criteria provided, single submitter. Criteria: Ambry Variant Classification Scheme 2023. Collection method: clinical testing. Allele origin: germline.
Comment: The p.Q947* variant (also known as c.2839C>T), located in coding exon 21 of the KIT gene, results from a C to T substitution at nucleotide position 2839. This changes the amino acid from a glutamine to a stop codon within coding exon 21. This variant occurs at the 3' terminus of the gene and is not expected to trigger nonsense-mediated mRNA decay. Based on the available evidence, the clinical significance of this variant remains unclear.

Labcorp Genetics (formerly Invitae), Labcorp
Classification: Uncertain significance for Gastrointestinal stromal tumor. Last evaluated: 2024-09-30. Review status: criteria provided, single submitter. Criteria: Invitae Variant Classification Sherloc (09022015). Collection method: clinical testing. Allele origin: germline.
Comment: This sequence change creates a premature translational stop signal (p.Gln947*) in the KIT gene. While this is not anticipated to result in nonsense mediated decay, it is expected to disrupt the last 30 amino acid(s) of the KIT protein. This variant is present in population databases (no rsID available, gnomAD 0.003%). This variant has not been reported in the literature in individuals affected with KIT-related conditions. ClinVar contains an entry for this variant (Variation ID: 409760). Experimental studies and prediction algorithms are not available or were not evaluated, and the functional significance of this variant is currently unknown. Algorithms developed to predict the effect of sequence changes on RNA splicing suggest that this variant may disrupt the consensus splice site. In summary, the available evidence is currently insufficient to determine the role of this variant in disease. Therefore, it has been classified as a Variant of Uncertain Significance.

NM_000222.3(KIT):c.2839C>T (p.Gln947Ter)

Gene: KIT (KIT proto-oncogene, receptor tyrosine kinase; plus strand). Cytogenetic location: 4q12.
Variant type: single nucleotide variant.
Coding change: c.2839C>T on transcript NM_000222.3 (MANE Select); coding-DNA position 2839, C replaced by T.
Protein change: p.Gln947Ter; replaces glutamine 947 with a stop codon.
Molecular consequence: nonsense.
Genome position (GRCh38, 1-based): chr4:54,738,465, C>T. VCF-style: chr4-54738465-C-T. GRCh37 (hg19) VCF-style: chr4-55604631-C-T.
Other names: c.2827C>T, p.Gln943Ter (NM_001093772.2, NM_001385292.1); c.2842C>T, p.Gln948Ter (NM_001385284.1); c.2836C>T, p.Gln946Ter (NM_001385285.1); c.2824C>T, p.Gln942Ter (NM_001385286.1); c.2830C>T, p.Gln944Ter (NM_001385288.1); c.2839C>T, p.Gln947Ter (NM_001385290.1); short protein forms Q947*, Q943*, Q948*, Q942*, Q944*, Q946*.
Identifiers: ClinVar variation 409760 (VCV000409760.12), dbSNP rs1060502558, ClinGen allele CA16611528.